The following is an entry in ClinVar:

NM_022124.6(CDH23):c.7406A>G (p.Asp2469Gly)

Gene: CDH23 (cadherin related 23; plus strand). Cytogenetic location: 10q22.1.
Variant type: single nucleotide variant.
Coding change: c.7406A>G on transcript NM_022124.6 (MANE Select); coding-DNA position 7406, A replaced by G.
Protein change: p.Asp2469Gly; replaces aspartic acid 2469 with glycine.
Molecular consequence: missense variant.
Genome position (GRCh38, 1-based): chr10:71,800,679, A>G. VCF-style: chr10-71800679-A-G. GRCh37 (hg19) VCF-style: chr10-73560436-A-G.
Other names: c.686A>G, p.Asp229Gly (NM_001171933.1, NM_001171934.1); short protein forms D229G, D2469G.
Identifiers: ClinVar variation 1388691 (VCV001388691.6), dbSNP rs2132971509, ClinGen allele CA377159892.

ClinVar aggregate classification (germline): Uncertain significance (1 of 4 stars; one submission).

Submission:

Labcorp Genetics (formerly Invitae), Labcorp
Classification: Uncertain significance. Last evaluated: 2023-04-24. Review status: criteria provided, single submitter. Criteria: Invitae Variant Classification Sherloc (09022015). Collection method: clinical testing. Allele origin: germline.
Comment: In summary, the available evidence is currently insufficient to determine the role of this variant in disease. Therefore, it has been classified as a Variant of Uncertain Significance. Advanced modeling of protein sequence and biophysical properties (such as structural, functional, and spatial information, amino acid conservation, physicochemical variation, residue mobility, and thermodynamic stability) performed at Invitae indicates that this missense variant is not expected to disrupt CDH23 protein function. ClinVar contains an entry for this variant (Variation ID: 1388691). This variant has not been reported in the literature in individuals affected with CDH23-related conditions. This variant is not present in population databases (gnomAD no frequency). This sequence change replaces aspartic acid, which is acidic and polar, with glycine, which is neutral and non-polar, at codon 2469 of the CDH23 protein (p.Asp2469Gly).